The following is an entry in ClinVar:

NM_001330260.2(SCN8A):c.3331G>C (p.Glu1111Gln)

Gene: SCN8A (sodium voltage-gated channel alpha subunit 8; plus strand). Cytogenetic location: 12q13.13.
Variant type: single nucleotide variant.
Coding change: c.3331G>C on transcript NM_001330260.2 (MANE Select); coding-DNA position 3331, G replaced by C.
Protein change: p.Glu1111Gln; replaces glutamic acid 1111 with glutamine.
Molecular consequence: missense variant.
Genome position (GRCh38, 1-based): chr12:51,769,294, G>C. VCF-style: chr12-51769294-G-C. GRCh37 (hg19) VCF-style: chr12-52163078-G-C.
Other names: c.3331G>C, p.Glu1111Gln (NM_001177984.3, NM_001369788.1, NM_014191.4); short protein forms E1111Q.
Identifiers: ClinVar variation 2748379 (VCV002748379.3), dbSNP rs1555226169, ClinGen allele CA384893718.
Genomic context (GRCh38, chr12:51,769,294, plus strand): 5'-AACTTGACTGTACGGGTACCCATTGCTGTGGGCGAGTCTGACTTTGAGAACCTCAACACA[G>C]AGGATGTTAGCAGCGAGTCGGATCCTGAAGGCAGCAAAGATGTAAGGTCCCAGCCTAGAA-3'
Protein context (NP_001317189.1, residues 1101-1121): GESDFENLNT[Glu1111Gln]DVSSESDPEG

ClinVar aggregate classification (germline): Uncertain significance (1 of 4 stars; one submission).

Conditions:
Early-infantile DEE. Also called: Ohtahara syndrome; Early infantile epileptic encephalopathy; Early infantile epileptic encephalopathy with suppression bursts. Identifiers: Orphanet 1934, MedGen C0393706, MONDO:0800491.

Submission:

Labcorp Genetics (formerly Invitae), Labcorp
Classification: Uncertain significance for Early-infantile DEE. Last evaluated: 2023-07-30. Review status: criteria provided, single submitter. Criteria: Invitae Variant Classification Sherloc (09022015). Collection method: clinical testing. Allele origin: germline.
Comment: This sequence change replaces glutamic acid, which is acidic and polar, with glutamine, which is neutral and polar, at codon 1111 of the SCN8A protein (p.Glu1111Gln). This variant is not present in population databases (gnomAD no frequency). This variant has not been reported in the literature in individuals affected with SCN8A-related conditions. Advanced modeling of protein sequence and biophysical properties (such as structural, functional, and spatial information, amino acid conservation, physicochemical variation, residue mobility, and thermodynamic stability) performed at Invitae indicates that this missense variant is not expected to disrupt SCN8A protein function. In summary, the available evidence is currently insufficient to determine the role of this variant in disease. Therefore, it has been classified as a Variant of Uncertain Significance.